The following is an entry in ClinVar:

NM_016239.4(MYO15A):c.5354T>A (p.Met1785Lys)

Gene: MYO15A (myosin XVA; plus strand). Cytogenetic location: 17p11.2.
Variant type: single nucleotide variant.
Coding change: c.5354T>A on transcript NM_016239.4 (MANE Select); coding-DNA position 5354, T replaced by A.
Protein change: p.Met1785Lys; replaces methionine 1785 with lysine.
Molecular consequence: missense variant.
Genome position (GRCh38, 1-based): chr17:18,140,659, T>A. VCF-style: chr17-18140659-T-A. GRCh37 (hg19) VCF-style: chr17-18043973-T-A.
Other names: short protein forms M1785K.
Identifiers: ClinVar variation 1310243 (VCV001310243.2), dbSNP rs775363115, ClinGen allele CA398600376.
Genomic context (GRCh38, chr17:18,140,659, plus strand): 5'-ACAAGGCGCACACTGTGGCCGCCAAGTTCCAGCAGTCACTCCTGGATCTGGTGGAAAAGA[T>A]GGAGAGGTGGGGTGGGGGGCAGGTGGGCGGAGCACCCAGCCTCATCCTTAACCCACCTCA-3'
Protein context (NP_057323.3, residues 1775-1795): QQSLLDLVEK[Met1785Lys]ERCNPLFMRC

ClinVar aggregate classification (germline): Uncertain significance (1 of 4 stars; one submission).

Submission:

GeneDx
Classification: Uncertain significance. Last evaluated: 2019-11-12. Review status: criteria provided, single submitter. Criteria: GeneDx Variant Classification Process June 2021. Collection method: clinical testing. Allele origin: germline. Affected: yes.
Comment: Not observed in large population cohorts (Lek et al., 2016); In silico analysis, which includes protein predictors and evolutionary conservation, supports a deleterious effect; Has not been previously published as pathogenic or benign to our knowledge